The following is an entry in ClinVar:

NM_052813.5(CARD9):c.271T>C (p.Tyr91His)

Gene: CARD9 (caspase recruitment domain family member 9; minus strand). Cytogenetic location: 9q34.3.
Variant type: single nucleotide variant.
Coding change: c.271T>C on transcript NM_052813.5 (MANE Select); coding-DNA position 271, T replaced by C.
Protein change: p.Tyr91His; replaces tyrosine 91 with histidine.
Molecular consequence: missense variant.
Genome position (GRCh38, 1-based): chr9:136,371,375, A>G on the plus strand (T>C on the coding strand, the complement: CARD9 is on the minus strand). VCF-style: chr9-136371375-A-G. GRCh37 (hg19) VCF-style: chr9-139265827-A-G.
Other names: c.271T>C, p.Tyr91His (NM_052814.4); short protein forms Y91H.
Identifiers: ClinVar variation 636956 (VCV000636956.9), dbSNP rs921151054, ClinGen allele CA201615185.
Genomic context (GRCh38, chr9:136,371,375, plus strand): 5'-GTCACTCACCGATGATCATGGAGAAGACGCGGGCCGGCTCCTTGCCTGTGACCTTCTTGT[A>G]CAGCTGCGGGTAGTAGAGCTCCAGGCTCTCGAGGAAGGCCACGTAGCCCTTGTGGCCGGT-3'
Protein context (NP_434700.2, residues 81-101): ESLELYYPQL[Tyr91His]KKVTGKEPAR

ClinVar aggregate classification (germline): Conflicting classifications of pathogenicity. Review status: criteria provided, conflicting classifications (1 of 4 stars). 3 submissions from 3 submitters: Pathogenic (1); Uncertain significance (2). Last evaluated 2026-09-21.

Conditions:
Predisposition to invasive fungal disease due to CARD9 deficiency (IMD103). Also called: Candidiasis, familial, 2, autosomal recessive; IMMUNODEFICIENCY 103, SUSCEPTIBILITY TO FUNGAL INFECTIONS; CARD9 IMMUNODEFICIENCY. Identifiers: Orphanet 457088, MedGen C1859353, MONDO:0008905, OMIM 212050.
CARD9-related disorder. Also called: CARD9-related condition.

Allele frequency attached by ClinVar (database versions not stated): gnomAD 0.00002; gnomAD exomes 0.00002 and 0.00006; TOPMed 0.00003.

Submissions (3):

PreventionGenetics, part of Exact Sciences
Classification: Uncertain significance for CARD9-related condition. Last evaluated: 2026-09-21. Review status: criteria provided, single submitter. Criteria: ACMG Guidelines, 2015. Collection method: clinical testing. Allele origin: germline.
Comment: The CARD9 c.271T>C variant is predicted to result in the amino acid substitution p.Tyr91His. This variant has been reported in the homozygous and compound heterozygous states in multiple individuals with spontaneous CNS candidiasis (Gavino et al. 2016. PubMed ID: 26521038). This variant has also been reported in the compound heterozygous state in an individual with invasive dermatophytosis (Nazarian et al. 2019. PubMed ID: 31469433). In vitro experimental studies using HEK293T cells, patient-derived monocytes, peripheral blood mononuclear cells, and lymphoblastoid cell lines suggest this variant does not change CARD9 protein expression or its interaction with BCL10 or MALT1, but decreases CARD9 interaction with RASGRF1 and decreases downstream ERK and NF-κB activation, resulting in decreased GM-CSF (CSF2) production (Gavino et al. 2016. PubMed ID: 26521038). In vivo experimental studies using a Y91H knock-in mouse model suggest this variant recapitulates the disease phenotype, including increased susceptibility to disseminated and central nervous system candidiasis and increased tissue fungal burden, while preserving CARD9 protein expression (Landekic et al. 2025. PubMed ID: 40424070). In vitro experimental studies using bone marrow-derived macrophages and neutrophils from this mouse model suggest this variant decreases pro-inflammatory cytokine production without affecting phagocytosis or fungicidal killing of Candida albicans (Landekic et al. 2025. PubMed ID: 40424070). RT-PCR studies suggest this variant does not affect splicing, as full-length CARD9 mRNA was expressed in patient-derived cells (Gavino et al. 2016. PubMed ID: 26521038; Nazarian et al. 2019. PubMed ID: 31469433). This variant is reported in 0.0060% of alleles in individuals of European (Non-Finnish) descent in gnomAD. Although we suspect that this variant may be pathogenic, at this time, the clinical significance of this variant is uncertain due to the absence of conclusive functional and genetic evidence.

Blueprint Genetics
Classification: Pathogenic for CARD9-related disorders. Last evaluated: 2024-11-07. Review status: criteria provided, single submitter. Criteria: ACMG Guidelines, 2015. Collection method: clinical testing. Allele origin: germline. Affected: yes. Observed: 5 variant alleles.

Labcorp Genetics (formerly Invitae), Labcorp
Classification: Uncertain significance for Predisposition to invasive fungal disease due to CARD9 deficiency. Last evaluated: 2021-08-27. Review status: criteria provided, single submitter. Criteria: Invitae Variant Classification Sherloc (09022015). Collection method: clinical testing. Allele origin: germline.
Comment: This sequence change replaces tyrosine with histidine at codon 91 of the CARD9 protein (p.Tyr91His). The tyrosine residue is highly conserved and there is a moderate physicochemical difference between tyrosine and histidine. This variant is not present in population databases (ExAC no frequency). This missense change has been observed in individual(s) with spontaneous central nervous system candidiasis and ichthyosis (PMID: 24704721, 26521038, 31469433). Algorithms developed to predict the effect of missense changes on protein structure and function (SIFT, PolyPhen-2, Align-GVGD) all suggest that this variant is likely to be disruptive. Experimental studies have shown that this missense change affects CARD9 function (PMID: 26521038, 29890237). In summary, the available evidence is currently insufficient to determine the role of this variant in disease. Therefore, it has been classified as a Variant of Uncertain Significance.

Literature cited by the submitters: PubMed 24704721 (cited by Labcorp Genetics (formerly Invitae), Labcorp); PubMed 26521038 (cited by Labcorp Genetics (formerly Invitae), Labcorp); PubMed 31469433 (cited by Labcorp Genetics (formerly Invitae), Labcorp); PubMed 29890237 (cited by Labcorp Genetics (formerly Invitae), Labcorp).